The following is an entry in ClinVar:

NM_021870.3(FGG):c.*500C>T

Gene: FGG (fibrinogen gamma chain; minus strand). Cytogenetic location: 4q32.1.
Variant type: single nucleotide variant.
Coding change: c.*500C>T on transcript NM_021870.3 (MANE Select); 500 bases downstream of the stop codon, C replaced by T.
Molecular consequence: 3 prime UTR variant.
Genome position (GRCh38, 1-based): chr4:154,604,334, G>A on the plus strand (C>T on the coding strand, the complement: FGG is on the minus strand). VCF-style: chr4-154604334-G-A. GRCh37 (hg19) VCF-style: chr4-155525486-G-A.
Other names: c.*6C>T (NM_000509.6).
Identifiers: ClinVar variation 902204 (VCV000902204.6), dbSNP rs183036893, ClinGen allele CA3115432.

ClinVar aggregate classification (germline): Conflicting classifications of pathogenicity. Review status: criteria provided, conflicting classifications (1 of 4 stars). 3 submissions from 3 submitters: Uncertain significance (2); Likely benign (1). Last evaluated 2024-11-19.

Conditions:
Congenital afibrinogenemia. Identifiers: Orphanet 335, Orphanet 98880, MedGen C2584774, MONDO:0008737, OMIM 202400.

Allele frequency attached by ClinVar (database versions not stated): 1000 Genomes Project 30x 0.00047; 1000 Genomes Project 0.00060; gnomAD exomes 0.00088; TOPMed 0.00088; gnomAD 0.00103; ExAC 0.00138; ESP Exome Variant Server 0.00138.
gnomAD v4.1: 1,948 of 1,510,172 alleles (0.13%); highest among the groups gnomAD compares: Non-Finnish European, 0.15%; 1 homozygote.

Submissions (3):

Blueprint Genetics
Classification: Likely benign. Last evaluated: 2024-11-19. Review status: criteria provided, single submitter. Criteria: ACMG Guidelines, 2015. Collection method: clinical testing. Allele origin: germline.

Women's Health and Genetics/Laboratory Corporation of America, LabCorp
Classification: Uncertain significance. Last evaluated: 2023-12-12. Review status: criteria provided, single submitter. Criteria: LabCorp Variant Classification Summary - May 2015. Collection method: clinical testing. Allele origin: germline.
Comment: Variant summary: FGG c.*500C>T is located in the untranslated mRNA region downstream of the termination codon. The variant allele was found at a frequency of 0.00088 in 131812 control chromosomes. To our knowledge, no occurrence of c.*500C>T in individuals affected with Congenital Dysfibrinogenemia and no experimental evidence demonstrating its impact on protein function have been reported. One submitter has cited clinical-significance assessments for this variant to ClinVar after 2014 and has classified the variant as uncertain significance. Based on the evidence outlined above, the variant was classified as uncertain significance.

Illumina Laboratory Services, Illumina
Classification: Uncertain significance for Congenital afibrinogenemia. Last evaluated: 2018-01-13. Review status: criteria provided, single submitter. Criteria: ICSL Variant Classification Criteria 13 December 2019. Collection method: clinical testing. Allele origin: germline.